The following is an entry in ClinVar:

ClinVar aggregate classification (germline): Uncertain significance (1 of 4 stars; one submission).

Submission:

GeneDx
Classification: Uncertain significance. Last evaluated: 2023-05-01. Review status: criteria provided, single submitter. Criteria: GeneDx Variant Classification Process June 2021. Collection method: clinical testing. Allele origin: germline. Affected: yes.
Comment: Has not been previously published as pathogenic or benign to our knowledge; Not observed at significant frequency in large population cohorts (gnomAD); In silico analysis supports that this missense variant does not alter protein structure/function

NM_017636.4(TRPM4):c.2539C>T (p.Pro847Ser)

Gene: TRPM4 (transient receptor potential cation channel subfamily M member 4; plus strand). Cytogenetic location: 19q13.33.
Variant type: single nucleotide variant.
Coding change: c.2539C>T on transcript NM_017636.4 (MANE Select); coding-DNA position 2539, C replaced by T.
Protein change: p.Pro847Ser; replaces proline 847 with serine.
Molecular consequence: missense variant. On other transcripts: intron variant (1).
Genome position (GRCh38, 1-based): chr19:49,196,768, C>T. VCF-style: chr19-49196768-C-T. GRCh37 (hg19) VCF-style: chr19-49700025-C-T.
Other names: c.2194C>T, p.Pro732Ser (NM_001321281.2); c.931C>T, p.Pro311Ser (NM_001321282.2); c.2017C>T, p.Pro673Ser (NM_001321283.2); c.1477C>T, p.Pro493Ser (NM_001321285.2); c.2211-3532C>T (NM_001195227.2); short protein forms P311S, P493S, P673S, P732S, P847S.
Identifiers: ClinVar variation 2663239 (VCV002663239.1), dbSNP rs776176095, ClinGen allele CA9569570.